The following is an entry in ClinVar:

NM_000535.7(PMS2):c.1259T>C (p.Leu420Pro)

Gene: PMS2 (PMS1 homolog 2, mismatch repair system component; minus strand). Cytogenetic location: 7p22.1.
Variant type: single nucleotide variant.
Coding change: c.1259T>C on transcript NM_000535.7 (MANE Select); coding-DNA position 1259, T replaced by C.
Protein change: p.Leu420Pro; replaces leucine 420 with proline.
Molecular consequence: missense variant. On other transcripts: non-coding transcript variant (1).
Genome position (GRCh38, 1-based): chr7:5,987,506, A>G on the plus strand (T>C on the coding strand, the complement: PMS2 is on the minus strand). VCF-style: chr7-5987506-A-G. GRCh37 (hg19) VCF-style: chr7-6027137-A-G.
Other names: c.326T>C, p.Leu109Pro (NM_001322011.2, NM_001322012.2); c.950T>C, p.Leu317Pro (NM_001322015.2); c.686T>C, p.Leu229Pro (NM_001322013.2); c.1259T>C, p.Leu420Pro (NM_001322014.2); c.854T>C, p.Leu285Pro (NM_001322003.2, NM_001322004.2, NM_001322005.2 and 1 more transcripts); c.1103T>C, p.Leu368Pro (NM_001322006.2); c.941T>C, p.Leu314Pro (NM_001322007.2, NM_001322008.2); c.698T>C, p.Leu233Pro (NM_001322010.2); short protein forms L420P, L229P, L314P, L233P, L285P, L368P, L109P, L317P.
Identifiers: ClinVar variation 418935 (VCV000418935.17), dbSNP rs747495075, ClinGen allele CA042840.

ClinVar aggregate classification (germline): Uncertain significance. Review status: criteria provided, multiple submitters, no conflicts (2 of 4 stars). 5 submissions from 5 submitters: Uncertain significance (5). Last evaluated 2025-11-17.

Conditions:
Hereditary nonpolyposis colorectal neoplasms. Identifiers: MedGen C0009405, MeSH D003123.
Hereditary cancer-predisposing syndrome. Also called: Hereditary neoplastic syndrome; Tumor predisposition; Neoplastic Syndromes, Hereditary; Hereditary Cancer Syndrome. Identifiers: Orphanet 140162, MedGen C0027672, MeSH D009386, MONDO:0015356.

Allele frequency attached by ClinVar (database versions not stated): gnomAD below 0.00001 and 0.00001; gnomAD exomes below 0.00001; ExAC 0.00001.
gnomAD v4.1: 5 of 1,614,072 alleles (0.00031%); highest among the groups gnomAD compares: South Asian, 0.0033%; no homozygotes.

Submissions (5):

Labcorp Genetics (formerly Invitae), Labcorp
Classification: Uncertain significance for Hereditary nonpolyposis colorectal neoplasms. Last evaluated: 2025-11-17. Review status: criteria provided, single submitter. Criteria: Invitae Variant Classification Sherloc (09022015). Collection method: clinical testing. Allele origin: germline.
Comment: This sequence change replaces leucine, which is neutral and non-polar, with proline, which is neutral and non-polar, at codon 420 of the PMS2 protein (p.Leu420Pro). This variant is present in population databases (rs747495075, gnomAD 0.0009%). This variant has not been reported in the literature in individuals affected with PMS2-related conditions. ClinVar contains an entry for this variant (Variation ID: 418935). Invitae Evidence Modeling incorporating data from in vitro experimental studies (internal data) indicates that this missense variant is not expected to disrupt PMS2 function with a negative predictive value of 95%. In summary, the available evidence is currently insufficient to determine the role of this variant in disease. Therefore, it has been classified as a Variant of Uncertain Significance.

Ambry Genetics
Classification: Uncertain significance for Hereditary cancer-predisposing syndrome. Last evaluated: 2024-08-30. Review status: criteria provided, single submitter. Criteria: Ambry Variant Classification Scheme 2023. Collection method: clinical testing. Allele origin: germline.
Comment: The p.L420P variant (also known as c.1259T>C), located in coding exon 11 of the PMS2 gene, results from a T to C substitution at nucleotide position 1259. The leucine at codon 420 is replaced by proline, an amino acid with similar properties. This amino acid position is highly conserved in available vertebrate species. In addition, the in silico prediction for this alteration is inconclusive. Since supporting evidence is limited at this time, the clinical significance of this alteration remains unclear.

Women's Health and Genetics/Laboratory Corporation of America, LabCorp
Classification: Uncertain significance. Last evaluated: 2021-11-25. Review status: criteria provided, single submitter. Criteria: LabCorp Variant Classification Summary - May 2015. Collection method: clinical testing. Allele origin: germline.

Color Diagnostics, LLC DBA Color Health
Classification: Uncertain significance for Hereditary cancer-predisposing syndrome. Last evaluated: 2019-06-21. Review status: criteria provided, single submitter. Criteria: ACMG Guidelines, 2015. Collection method: clinical testing. Allele origin: germline.

GeneDx
Classification: Uncertain significance. Last evaluated: 2015-04-23. Review status: criteria provided, single submitter. Criteria: GeneDx Variant Classification (06012015). Collection method: clinical testing. Allele origin: germline. Affected: yes.
Comment: This variant is denoted PMS2 c.1259T>C at the cDNA level, p.Leu420Pro (L420P) at the protein level, and results in the change of a Leucine to a Proline (CTG>CCG). This variant has not, to our knowledge, been published in the literature as pathogenic or benign. PMS2 Leu420Pro was not observed in approximately 6,500 individuals of European and African American ancestry in the NHLBI Exome Sequencing Project, indicating it is not a common benign variant in these populations. Since Leucine and Proline differ in some properties, this is considered a semi-conservative amino acid substitution. PMS2 Leu420Pro occurs at a position that is conserved across species and is not located in a known functional domain (UniProt). In silico analyses are inconsistent regarding the effect this variant may have on protein structure and function. Based on currently available information, it is unclear whether PMS2 Leu420Pro is pathogenic or benign. We consider it to be a variant of uncertain significance.